The following is an entry in ClinVar:

ClinVar aggregate classification (germline): Benign/Likely benign. Review status: criteria provided, multiple submitters, no conflicts (2 of 4 stars). 8 submissions from 8 submitters: Benign (4); Likely benign (1). 3 of the submissions do not count toward it. Last evaluated 2026-02-04.

Conditions:
Body mass index quantitative trait locus 12 (BMIQ12). Also called: OBESITY (BMIQ12), SUSCEPTIBILITY TO; Obesity, susceptibility to, BMIQ12. Identifiers: MedGen C2676498, OMIM 612362.

Allele frequency attached by ClinVar (database versions not stated): 1000 Genomes Project 0.02097; 1000 Genomes Project 30x 0.02139; TOPMed 0.03160; gnomAD 0.03201 and 0.03207; gnomAD exomes 0.03860 and 0.04678; ExAC 0.03989.
gnomAD v4.1: 72,726 of 1,612,350 alleles (4.5%); highest among the groups gnomAD compares: South Asian, 6.6%; 1,870 homozygotes.

Submissions (8):

Labcorp Genetics (formerly Invitae), Labcorp
Classification: Benign. Last evaluated: 2026-02-04. Review status: criteria provided, single submitter. Criteria: Invitae Variant Classification Sherloc (09022015). Collection method: clinical testing. Allele origin: germline.

Blueprint Genetics
Classification: Likely benign. Last evaluated: 2024-11-26. Review status: criteria provided, single submitter. Criteria: ACMG Guidelines, 2015. Collection method: clinical testing. Allele origin: germline.

Mayo Clinic Laboratories, Mayo Clinic
Classification: Benign. Last evaluated: 2024-05-10. Review status: criteria provided, single submitter. Criteria: ACMG Guidelines, 2015. Collection method: clinical testing. Allele origin: germline. Observed: 7 variant alleles.
Comment: BA1, BS2

GeneDx
Classification: Benign. Last evaluated: 2021-06-10. Review status: criteria provided, single submitter. Criteria: GeneDx Variant Classification Process June 2021. Collection method: clinical testing. Allele origin: germline. Affected: yes.
Comment: This variant is associated with the following publications: (PMID: 31504391, 28271036, 18604207, 23383060, 22000902, 25784503, 19528091)

Eurofins Ntd Llc (ga)
Classification: Benign. Last evaluated: 2018-01-18. Review status: criteria provided, single submitter. Criteria: EGL Classification Definitions 2015. Collection method: clinical testing. Allele origin: germline. Observed: 1 variant allele, 1 heterozygote.

OMIM
Classification: risk factor for OBESITY (BMIQ12), SUSCEPTIBILITY TO. Last evaluated: 2008-08-01. Review status: no assertion criteria provided. Collection method: literature only. Allele origin: germline. Not counted in ClinVar's aggregate classification.

Clinical Genetics, Academic Medical Center
Classification: Benign. Review status: no assertion criteria provided. Collection method: clinical testing. Allele origin: germline. Affected: yes. Study: VKGL Data-share Consensus. Not counted in ClinVar's aggregate classification.

Genome Diagnostics Laboratory, University Medical Center Utrecht
Classification: Benign. Review status: no assertion criteria provided. Collection method: clinical testing. Allele origin: germline. Affected: yes. Study: VKGL Data-share Consensus. Not counted in ClinVar's aggregate classification.

Literature cited by the submitters: PubMed 18604207 (cited by OMIM).

NM_000439.5(PCSK1):c.661A>G (p.Asn221Asp)

Genes: CAST (calpastatin; plus strand), PCSK1 (proprotein convertase subtilisin/kexin type 1; minus strand), LOC101929710 (uncharacterized LOC101929710; plus strand). Cytogenetic location: 5q15.
Variant type: single nucleotide variant.
Coding change: c.661A>G on transcript NM_000439.5 (MANE Select); coding-DNA position 661, A replaced by G.
Protein change: p.Asn221Asp; replaces asparagine 221 with aspartic acid.
Molecular consequence: missense variant.
Genome position (GRCh38, 1-based): chr5:96,416,081, T>C on the plus strand (A>G on the coding strand, the complement: PCSK1 is on the minus strand). VCF-style: chr5-96416081-T-C. GRCh37 (hg19) VCF-style: chr5-95751785-T-C.
Other names: c.520A>G, p.Asn174Asp (NM_001177875.2); short protein forms N221D, N174D.
Identifiers: ClinVar variation 14040 (VCV000014040.19), dbSNP rs6232, ClinGen allele CA128660.